The following is an entry in ClinVar:

NM_004415.4(DSP):c.8232G>A (p.Arg2744=)

Gene: DSP (desmoplakin; plus strand). Cytogenetic location: 6p24.3.
Variant type: single nucleotide variant.
Coding change: c.8232G>A on transcript NM_004415.4 (MANE Select); coding-DNA position 8232, G replaced by A.
Protein change: p.Arg2744=; no amino-acid change (arginine 2744 retained).
Molecular consequence: synonymous variant.
Genome position (GRCh38, 1-based): chr6:7,585,494, G>A. VCF-style: chr6-7585494-G-A. GRCh37 (hg19) VCF-style: chr6-7585727-G-A.
Other names: c.6435G>A, p.Arg2145= (NM_001008844.3); c.6903G>A, p.Arg2301= (NM_001319034.2).
Identifiers: ClinVar variation 740677 (VCV000740677.12), dbSNP rs780253169, ClinGen allele CA051885.

ClinVar aggregate classification (germline): Likely benign. Review status: criteria provided, multiple submitters, no conflicts (2 of 4 stars). 3 submissions from 3 submitters: Likely benign (3). Last evaluated 2025-04-08.

Conditions:
Arrhythmogenic right ventricular dysplasia 8 (ARVD8). Also called: Arrhythmogenic Right Ventricular Dysplasia/Cardiomyopathy 8; ARRHYTHMOGENIC RIGHT VENTRICULAR DYSPLASIA, FAMILIAL, 8; ARRHYTHMOGENIC RIGHT VENTRICULAR CARDIOMYOPATHY 8. Identifiers: MedGen C1843896, MONDO:0011831, OMIM 607450.
Arrhythmogenic cardiomyopathy with wooly hair and keratoderma. Also called: Dilated cardiomyopathy with woolly hair and keratoderma; PALMOPLANTAR KERATODERMA WITH LEFT VENTRICULAR CARDIOMYOPATHY AND WOOLLY HAIR; Carvajal syndrome; Arrhythmogenic cardiomyopathy with woolly hair and keratoderma. Identifiers: Orphanet 65282, MedGen C1854063, MONDO:0011581, OMIM 605676.
Cardiovascular phenotype. Identifiers: MedGen CN230736.

Allele frequency attached by ClinVar (database versions not stated): gnomAD exomes below 0.00001; ExAC 0.00001.
gnomAD v4.1: 2 of 1,614,178 alleles (0.00012%); highest among the groups gnomAD compares: Non-Finnish European, 0.000085%; no homozygotes.

Submissions (3):

Labcorp Genetics (formerly Invitae), Labcorp
Classification: Likely benign for Arrhythmogenic cardiomyopathy with wooly hair and keratoderma; Arrhythmogenic right ventricular dysplasia 8. Last evaluated: 2025-04-08. Review status: criteria provided, single submitter. Criteria: Invitae Variant Classification Sherloc (09022015). Collection method: clinical testing. Allele origin: germline.

All of Us Research Program, National Institutes of Health
Classification: Likely benign for Arrhythmogenic cardiomyopathy with wooly hair and keratoderma. Last evaluated: 2024-03-24. Review status: criteria provided, single submitter. Criteria: ACMG Guidelines, 2015. Collection method: clinical testing. Allele origin: germline. Inheritance: Autosomal dominant inheritance. Observed: 1 variant allele, 1 heterozygote.
Comment: This study involves interpretation of variants in research participants for the purpose of population health screening. Participant phenotype was not available at the time of variant classification. Additional details can be found in publication PMID: 35346344, PMCID: PMC8962531

Ambry Genetics
Classification: Likely benign for Cardiovascular phenotype. Last evaluated: 2023-02-16. Review status: criteria provided, single submitter. Criteria: Ambry Variant Classification Scheme 2023. Collection method: clinical testing. Allele origin: germline.